The following is an entry in ClinVar:

ClinVar aggregate classification (germline): Uncertain significance (1 of 4 stars; one submission).

Conditions:
Hereditary cancer-predisposing syndrome. Also called: Neoplastic Syndromes, Hereditary; Tumor predisposition; Hereditary Cancer Syndrome; Hereditary neoplastic syndrome. Identifiers: Orphanet 140162, MedGen C0027672, MeSH D009386, MONDO:0015356.

Submission:

Ambry Genetics
Classification: Uncertain significance for Hereditary cancer-predisposing syndrome. Last evaluated: 2024-11-15. Review status: criteria provided, single submitter. Criteria: Ambry Variant Classification Scheme 2023. Collection method: clinical testing. Allele origin: germline.
Comment: The p.I164S variant (also known as c.491T>G), located in coding exon 3 of the NTHL1 gene, results from a T to G substitution at nucleotide position 491. The isoleucine at codon 164 is replaced by serine, an amino acid with dissimilar properties. This amino acid position is conserved. In addition, this alteration is predicted to be deleterious by in silico analysis. Based on the available evidence, the clinical significance of this variant remains unclear.

NM_002528.7(NTHL1):c.467T>G (p.Ile156Ser)

Gene: NTHL1 (nth like DNA glycosylase 1; minus strand). Cytogenetic location: 16p13.3.
Variant type: single nucleotide variant.
Coding change: c.467T>G on transcript NM_002528.7 (MANE Select); coding-DNA position 467, T replaced by G.
Protein change: p.Ile156Ser; replaces isoleucine 156 with serine.
Molecular consequence: missense variant. On other transcripts: intron variant (1).
Genome position (GRCh38, 1-based): chr16:2,044,688, A>C on the plus strand (T>G on the coding strand, the complement: NTHL1 is on the minus strand). VCF-style: chr16-2044688-A-C. GRCh37 (hg19) VCF-style: chr16-2094689-A-C.
Other names: c.137T>G, p.Ile46Ser (NM_001318194.2); c.355-962T>G (NM_001318193.2); short protein forms I156S, I46S.
Identifiers: ClinVar variation 3408225 (VCV003408225.1).
Genomic context (GRCh38, chr16:2,044,688, plus strand): 5'-ACCCTCCAGAAACCGACGGGGTAGATGAGCTTGCCCAGCGTGGCATCATCTGTCTGCAGG[A>C]TGCTGTCCACCGTCAGGCCCCGCGCCCGCAGTCGCTGCATGGCGCCCGCCGTCACCTGGT-3'
Protein context (NP_002519.2, residues 146-166): LRARGLTVDS[Ile156Ser]LQTDDATLGK